The following is an entry in ClinVar:

GRCh38/hg38 1q21.1-21.2(chr1:145215697-148534530)x1

Genes: ACP6 (acid phosphatase 6, lysophosphatidic; minus strand), ANKRD34A (ankyrin repeat domain 34A; minus strand), ANKRD35 (ankyrin repeat domain 35; minus strand), ANKRD35-DT (ANKRD35 divergent transcript; plus strand), BCL9 (BCL9 transcription coactivator; plus strand) and 137 more. Cytogenetic location: 1q21.1-21.2.
Variant type: copy number loss.
Change: copy number 1 (one copy instead of two) of chr1:145,215,697-148,534,530 (3.32 Mb, GRCh38 coordinates, 1-based), cytogenetic band 1q21.1-21.2.
Identifiers: ClinVar variation 58488 (VCV000058488.1).

ClinVar aggregate classification (germline): Pathogenic (1 of 4 stars; one submission).

Submission:

ISCA site 17
Classification: Pathogenic. Last evaluated: 2011-08-12. Review status: criteria provided, single submitter. Criteria: Kaminsky et al. (Genet Med. 2011). Collection method: clinical testing. Allele origin: unknown. Affected: yes. Observed: 1 variant allele.
Comment: Copy number variation identified through the course of routine clinical cytogenomic testing in postnatal populations. Clinical assertions have been curated as described in Kaminsky et al. 2011.